The following is an entry in ClinVar:

ClinVar aggregate classification (germline): Likely benign (1 of 4 stars; one submission).

Conditions:
CFTR-related disorder (CFTR-RD). Also called: CFTR-related disorders; CFTR-related condition. Identifiers: MedGen C5924204, MONDO:7770004.

gnomAD v4.1: 2 of 1,123,588 alleles (0.00018%); highest among the groups gnomAD compares: Admixed American, 0.0018%; no homozygotes.

Submission:

PreventionGenetics, part of Exact Sciences
Classification: Likely benign for CFTR-related condition. Last evaluated: 2026-05-10. Review status: criteria provided, single submitter. Criteria: ACMG Guidelines, 2015. Collection method: clinical testing. Allele origin: germline.
Comment: This variant is classified as likely benign based on ACMG/AMP sequence variant interpretation guidelines (Richards et al. 2015 PMID: 25741868, with internal and published modifications).

NM_000492.4(CFTR):c.1584+63A>G

Genes: CFTR (CF transmembrane conductance regulator; plus strand), CFTR-AS1 (CFTR antisense RNA 1; minus strand). Cytogenetic location: 7q31.2.
Variant type: single nucleotide variant.
Coding change: c.1584+63A>G on transcript NM_000492.4 (MANE Select); 63 bases into the intron after coding-DNA position 1584, A replaced by G.
Molecular consequence: intron variant.
Genome position (GRCh38, 1-based): chr7:117,559,718, A>G. VCF-style: chr7-117559718-A-G. GRCh37 (hg19) VCF-style: chr7-117199772-A-G.
Identifiers: ClinVar variation 5000904 (VCV005000904.1).